The following is an entry in ClinVar:

NM_198123.2(CSMD3):c.5564T>C (p.Val1855Ala)

Gene: CSMD3 (CUB and Sushi multiple domains 3; minus strand). Cytogenetic location: 8q23.3.
Variant type: single nucleotide variant.
Coding change: c.5564T>C on transcript NM_198123.2 (MANE Select); coding-DNA position 5564, T replaced by C.
Protein change: p.Val1855Ala; replaces valine 1855 with alanine.
Molecular consequence: missense variant. On other transcripts: intron variant (1).
Genome position (GRCh38, 1-based): chr8:112,408,359, A>G on the plus strand (T>C on the coding strand, the complement: CSMD3 is on the minus strand). VCF-style: chr8-112408359-A-G. GRCh37 (hg19) VCF-style: chr8-113420588-A-G.
Other names: NM_198124.2:c.5444T>C; c.5252T>C, p.Val1751Ala (NM_052900.3); c.5444T>C, p.Val1815Ala (NM_198124.2); c.5006-1632T>C (NM_001363185.1); short protein forms V1751A, V1815A, V1855A.
Identifiers: ClinVar variation 3383295 (VCV003383295.5).

ClinVar aggregate classification (germline): Conflicting classifications of pathogenicity. Review status: criteria provided, conflicting classifications (1 of 4 stars). 2 submissions from 2 submitters: Uncertain significance (1); Likely benign (1). Last evaluated 2026-03-01.

Conditions:
Pachygyria with impaired intellectual development, seizures, and arachnoid cysts. Also called: Pachygyria-intellectual disability-epilepsy syndrome. Identifiers: Orphanet 2798, MedGen C1838491, MONDO:0010840, OMIM 600176.

gnomAD v4.1: 1,002 of 1,612,214 alleles (0.062%); highest among the groups gnomAD compares: Middle Eastern, 0.017%; 4 homozygotes.

Submissions (2):

CeGaT Center for Human Genetics Tuebingen
Classification: Likely benign. Last evaluated: 2026-03-01. Review status: criteria provided, single submitter. Criteria: CeGaT Center For Human Genetics Tuebingen Variant Classification Criteria Version 2. Collection method: clinical testing. Allele origin: germline. Affected: yes. Observed: 1 variant allele.
Comment: CSMD3: BS1

Broad Center for Mendelian Genomics, Broad Institute of MIT and Harvard
Classification: Uncertain significance for Pachygyria with impaired intellectual development, seizures, and arachnoid cysts. Last evaluated: 2024-11-25. Review status: criteria provided, single submitter. Criteria: ACMG Guidelines, 2015. Collection method: curation. Allele origin: germline. Inheritance: Autosomal dominant inheritance. Study: GREGoR Consortium.
Comment: While this gene is still lacking sufficient evidence to establish a gene-disease relationship, we believe this is a possible novel gene candidate for pachygyria-intellectual disability-epilepsy syndrome. Given the limited information about this gene-disease relationship, the significance of the p.Val1855Ala variant is uncertain. If you have any additional information about functional evidence or other individuals with this phenotype that also have variants in CSMD3 we encourage you to reach out to us.